The following is an entry in ClinVar:

NM_003282.4(TNNI2):c.324G>A (p.Lys108=)

Gene: TNNI2 (troponin I2, fast skeletal type; plus strand). Cytogenetic location: 11p15.5.
Variant type: single nucleotide variant.
Coding change: c.324G>A on transcript NM_003282.4 (MANE Select); coding-DNA position 324, G replaced by A.
Protein change: p.Lys108=; no amino-acid change (lysine 108 retained).
Molecular consequence: synonymous variant.
Genome position (GRCh38, 1-based): chr11:1,841,078, G>A. VCF-style: chr11-1841078-G-A. GRCh37 (hg19) VCF-style: chr11-1862308-G-A.
Other names: c.324G>A, p.Lys108= (NM_001145829.2, NM_001145841.2).
Identifiers: ClinVar variation 682596 (VCV000682596.1), dbSNP rs770374602, ClinGen allele CA5815238.

ClinVar aggregate classification (germline): Likely benign (1 of 4 stars; one submission).

Allele frequency attached by ClinVar (database versions not stated): ExAC 0.00001; gnomAD exomes 0.00001; gnomAD 0.00005 and 0.00006; TOPMed 0.00006.
gnomAD v4.1: 15 of 1,613,092 alleles (0.00093%); highest among the groups gnomAD compares: African/African-American, 0.016%; no homozygotes.

Submission:

GeneDx
Classification: Likely benign. Last evaluated: 2018-05-03. Review status: criteria provided, single submitter. Criteria: GeneDx Variant Classification (06012015). Collection method: clinical testing. Allele origin: germline. Affected: yes.
Comment: This variant is considered likely benign or benign based on one or more of the following criteria: it is a conservative change, it occurs at a poorly conserved position in the protein, it is predicted to be benign by multiple in silico algorithms, and/or has population frequency not consistent with disease.